The following is an entry in ClinVar:

NM_001349253.2(SCN11A):c.3578G>T (p.Cys1193Phe)

Genes: SCN11A (sodium voltage-gated channel alpha subunit 11; minus strand), LOC126806652 (CDK7 strongly-dependent group 2 enhancer GRCh37_chr3:38912374-38913573; plus strand). Cytogenetic location: 3p22.2.
Variant type: single nucleotide variant.
Coding change: c.3578G>T on transcript NM_001349253.2 (MANE Select); coding-DNA position 3578, G replaced by T.
Protein change: p.Cys1193Phe; replaces cysteine 1193 with phenylalanine.
Molecular consequence: missense variant.
Genome position (GRCh38, 1-based): chr3:38,871,626, C>A on the plus strand (G>T on the coding strand, the complement: SCN11A is on the minus strand). VCF-style: chr3-38871626-C-A. GRCh37 (hg19) VCF-style: chr3-38913117-C-A.
Other names: c.3578G>T, p.Cys1193Phe (NM_014139.3); short protein forms C1193F.
Identifiers: ClinVar variation 1517780 (VCV001517780.6), dbSNP rs2126096045, ClinGen allele CA352171035.

ClinVar aggregate classification (germline): Uncertain significance (1 of 4 stars; one submission).

Conditions:
Hereditary sensory and autonomic neuropathy type 7. Also called: HSAN VII; Neuropathy, hereditary sensory and autonomic, type VII. Identifiers: Orphanet 391397, MedGen C3809882, MONDO:0014244, OMIM 615548.
Familial episodic pain syndrome with predominantly lower limb involvement. Also called: Episodic pain syndrome, familial, 3. Identifiers: Orphanet 391384, Orphanet 391392, MedGen C3809899, MONDO:0014247, OMIM 615552.

Allele frequency attached by ClinVar (database versions not stated): gnomAD exomes below 0.00001.
gnomAD v4.1: 1 of 1,612,672 alleles (0.000062%); highest among the groups gnomAD compares: Admixed American, 0.0017%; no homozygotes.

Submission:

Labcorp Genetics (formerly Invitae), Labcorp
Classification: Uncertain significance for Familial episodic pain syndrome with predominantly lower limb involvement; Hereditary sensory and autonomic neuropathy type 7. Last evaluated: 2021-08-15. Review status: criteria provided, single submitter. Criteria: Invitae Variant Classification Sherloc (09022015). Collection method: clinical testing. Allele origin: germline.
Comment: In summary, the available evidence is currently insufficient to determine the role of this variant in disease. Therefore, it has been classified as a Variant of Uncertain Significance. Algorithms developed to predict the effect of missense changes on protein structure and function (SIFT, PolyPhen-2, Align-GVGD) all suggest that this variant is likely to be disruptive. This variant has not been reported in the literature in individuals affected with SCN11A-related conditions. This variant is not present in population databases (ExAC no frequency). This sequence change replaces cysteine with phenylalanine at codon 1193 of the SCN11A protein (p.Cys1193Phe). The cysteine residue is highly conserved and there is a large physicochemical difference between cysteine and phenylalanine.